The following is an entry in ClinVar:

NM_001853.4(COL9A3):c.130G>T (p.Gly44Cys)

Gene: COL9A3 (collagen type IX alpha 3 chain; plus strand). Cytogenetic location: 20q13.33.
Variant type: single nucleotide variant.
Coding change: c.130G>T on transcript NM_001853.4 (MANE Select); coding-DNA position 130, G replaced by T.
Protein change: p.Gly44Cys; replaces glycine 44 with cysteine.
Molecular consequence: missense variant.
Genome position (GRCh38, 1-based): chr20:62,817,618, G>T. VCF-style: chr20-62817618-G-T. GRCh37 (hg19) VCF-style: chr20-61448970-G-T.
Other names: short protein forms G44C.
Identifiers: ClinVar variation 1439242 (VCV001439242.6), dbSNP rs770649938, ClinGen allele CA409587189.

ClinVar aggregate classification (germline): Uncertain significance (1 of 4 stars; one submission).

Submission:

Labcorp Genetics (formerly Invitae), Labcorp
Classification: Uncertain significance. Last evaluated: 2022-02-28. Review status: criteria provided, single submitter. Criteria: Invitae Variant Classification Sherloc (09022015). Collection method: clinical testing. Allele origin: germline.
Comment: In summary, the available evidence is currently insufficient to determine the role of this variant in disease. Therefore, it has been classified as a Variant of Uncertain Significance. Advanced modeling of protein sequence and biophysical properties (such as structural, functional, and spatial information, amino acid conservation, physicochemical variation, residue mobility, and thermodynamic stability) performed at Invitae indicates that this missense variant is expected to disrupt COL9A3 protein function. This variant has not been reported in the literature in individuals affected with COL9A3-related conditions. This variant is not present in population databases (gnomAD no frequency). This sequence change replaces glycine, which is neutral and non-polar, with cysteine, which is neutral and slightly polar, at codon 44 of the COL9A3 protein (p.Gly44Cys).